The following is an entry in ClinVar:

ClinVar aggregate classification (germline): Uncertain significance. Review status: criteria provided, multiple submitters, no conflicts (2 of 4 stars). 2 submissions from 2 submitters: Uncertain significance (2). Last evaluated 2023-02-21.

Allele frequency attached by ClinVar (database versions not stated): gnomAD 0.00003; 1000 Genomes Project 30x 0.00016; 1000 Genomes Project 0.00020.
gnomAD v4.1: 30 of 1,610,482 alleles (0.0019%); highest among the groups gnomAD compares: Middle Eastern, 0.017%; no homozygotes.

Submissions (2):

Blueprint Genetics
Classification: Uncertain significance. Last evaluated: 2023-02-21. Review status: criteria provided, single submitter. Criteria: ACMG Guidelines, 2015. Collection method: clinical testing. Allele origin: germline.

Labcorp Genetics (formerly Invitae), Labcorp
Classification: Uncertain significance. Last evaluated: 2022-07-19. Review status: criteria provided, single submitter. Criteria: Invitae Variant Classification Sherloc (09022015). Collection method: clinical testing. Allele origin: germline.
Comment: This sequence change replaces aspartic acid, which is acidic and polar, with asparagine, which is neutral and polar, at codon 516 of the EYS protein (p.Asp516Asn). This variant is present in population databases (rs577044383, gnomAD 0.02%). This variant has not been reported in the literature in individuals affected with EYS-related conditions. Algorithms developed to predict the effect of missense changes on protein structure and function output the following: SIFT: "Tolerated"; PolyPhen-2: "Benign"; Align-GVGD: "Class C0". The asparagine amino acid residue is found in multiple mammalian species, which suggests that this missense change does not adversely affect protein function. In summary, the available evidence is currently insufficient to determine the role of this variant in disease. Therefore, it has been classified as a Variant of Uncertain Significance.

NM_001142800.2(EYS):c.1546G>A (p.Asp516Asn)

Gene: EYS (EGF-like photoreceptor maintenance factor; minus strand). Cytogenetic location: 6q12.
Variant type: single nucleotide variant.
Coding change: c.1546G>A on transcript NM_001142800.2 (MANE Select); coding-DNA position 1546, G replaced by A.
Protein change: p.Asp516Asn; replaces aspartic acid 516 with asparagine.
Molecular consequence: missense variant.
Genome position (GRCh38, 1-based): chr6:65,344,091, C>T on the plus strand (G>A on the coding strand, the complement: EYS is on the minus strand). VCF-style: chr6-65344091-C-T. GRCh37 (hg19) VCF-style: chr6-66053984-C-T.
Other names: c.1546G>A, p.Asp516Asn (NM_001142801.2, NM_001292009.2, NM_198283.2); short protein forms D516N.
Identifiers: ClinVar variation 2141294 (VCV002141294.2), dbSNP rs577044383, ClinGen allele CA3877705.